The following is an entry in ClinVar:

ClinVar aggregate classification (germline): Likely benign (1 of 4 stars; one submission).

Conditions:
TGM3-related disorder. Also called: TGM3-related condition.

gnomAD v4.1: 2,014 of 1,614,154 alleles (0.12%); highest among the groups gnomAD compares: Non-Finnish European, 0.16%; no homozygotes.

Submission:

PreventionGenetics, part of Exact Sciences
Classification: Likely benign for TGM3-related condition. Last evaluated: 2024-11-14. Review status: criteria provided, single submitter. Criteria: ACMG Guidelines, 2015. Collection method: clinical testing. Allele origin: germline.
Comment: This variant is classified as likely benign based on ACMG/AMP sequence variant interpretation guidelines (Richards et al. 2015 PMID: 25741868, with internal and published modifications).

NM_003245.4(TGM3):c.201G>A (p.Ser67=)

Gene: TGM3 (transglutaminase 3; plus strand). Cytogenetic location: 20p13.
Variant type: single nucleotide variant.
Coding change: c.201G>A on transcript NM_003245.4 (MANE Select); coding-DNA position 201, G replaced by A.
Protein change: p.Ser67=; no amino-acid change (serine 67 retained).
Molecular consequence: synonymous variant.
Genome position (GRCh38, 1-based): chr20:2,310,197, G>A. VCF-style: chr20-2310197-G-A. GRCh37 (hg19) VCF-style: chr20-2290843-G-A.
Identifiers: ClinVar variation 4977499 (VCV004977499.1).